The following is an entry in ClinVar:

ClinVar aggregate classification (germline): Uncertain significance (1 of 4 stars; one submission).

gnomAD v4.1: 6 of 1,614,010 alleles (0.00037%); highest among the groups gnomAD compares: Admixed American, 0.0017%; no homozygotes.

Submissions (2):

Labcorp Genetics (formerly Invitae), Labcorp
Classification: Uncertain significance. Last evaluated: 2025-07-28. Review status: criteria provided, single submitter. Criteria: Invitae Variant Classification Sherloc (09022015). Collection method: clinical testing. Allele origin: germline.
Comment: This sequence change falls in intron 4 of the FN1 gene. It does not directly change the encoded amino acid sequence of the FN1 protein. It affects a nucleotide within the consensus splice site. This variant is present in population databases (rs370619988, gnomAD 0.0009%). This variant has not been reported in the literature in individuals affected with FN1-related conditions. ClinVar contains an entry for this variant (Variation ID: 3624693). Variants that disrupt the consensus splice site are a relatively common cause of aberrant splicing (PMID: 17576681, 9536098). Algorithms developed to predict the effect of sequence changes on RNA splicing suggest that this variant is not likely to affect RNA splicing. In summary, the available evidence is currently insufficient to determine the role of this variant in disease. Therefore, it has been classified as a Variant of Uncertain Significance.

Dr. Peter K. Rogan Lab, Western University
No classification provided (evidence only). Condition: Adrenocortical carcinoma, hereditary. Review status: no classification provided. Collection method: in vitro. Allele origin: not applicable. Functional consequence: skipped exon, retained intron. Not counted in ClinVar's aggregate classification.

Literature cited by the submitters: PubMed 17576681 (cited by Labcorp Genetics (formerly Invitae), Labcorp); PubMed 9536098 (cited by Labcorp Genetics (formerly Invitae), Labcorp).

NM_212482.4(FN1):c.547+3G>C

Gene: FN1 (fibronectin 1; minus strand). Cytogenetic location: 2q35.
Variant type: single nucleotide variant.
Coding change: c.547+3G>C on transcript NM_212482.4 (MANE Select); 3 bases into the intron after coding-DNA position 547, G replaced by C.
Molecular consequence: intron variant.
Genome position (GRCh38, 1-based): chr2:215,431,830, C>G on the plus strand (G>C on the coding strand, the complement: FN1 is on the minus strand). VCF-style: chr2-215431830-C-G. GRCh37 (hg19) VCF-style: chr2-216296553-C-G.
Other names: c.547+3G>C (NM_212474.3, NM_001306132.2, NM_001365523.2 and 14 more transcripts).
Identifiers: ClinVar variation 3624693 (VCV003624693.3).